The following is an entry in ClinVar:

ClinVar aggregate classification (germline): Likely benign. Review status: criteria provided, multiple submitters, no conflicts (2 of 4 stars). 3 submissions from 3 submitters: Likely benign (3). Last evaluated 2025-12-01.

Conditions:
Focal segmental glomerulosclerosis 2 (FSGS2). Identifiers: Orphanet 656, MedGen C1858915, MONDO:0011390, OMIM 603965.

Allele frequency attached by ClinVar (database versions not stated): ExAC 0.00003; TOPMed 0.00003; gnomAD 0.00004; gnomAD exomes 0.00005 and 0.00012.
gnomAD v4.1: 179 of 1,605,252 alleles (0.011%); highest among the groups gnomAD compares: Non-Finnish European, 0.014%; no homozygotes.

Submissions (3):

CeGaT Center for Human Genetics Tuebingen
Classification: Likely benign. Last evaluated: 2025-12-01. Review status: criteria provided, single submitter. Criteria: CeGaT Center For Human Genetics Tuebingen Variant Classification Criteria Version 2. Collection method: clinical testing. Allele origin: germline. Affected: yes. Observed: 1 variant allele.
Comment: TRPC6: BP4

Labcorp Genetics (formerly Invitae), Labcorp
Classification: Likely benign. Last evaluated: 2025-10-24. Review status: criteria provided, single submitter. Criteria: Invitae Variant Classification Sherloc (09022015). Collection method: clinical testing. Allele origin: germline.

Illumina Laboratory Services, Illumina
Classification: Likely benign for Focal segmental glomerulosclerosis 2. Last evaluated: 2018-01-13. Review status: criteria provided, single submitter. Criteria: ICSL Variant Classification Criteria 13 December 2019. Collection method: clinical testing. Allele origin: germline.
Comment: This variant was observed in the ICSL laboratory as part of a predisposition screen in an ostensibly healthy population. It had not been previously curated by ICSL or reported in the Human Gene Mutation Database (HGMD: prior to June 1st, 2018), and was therefore a candidate for classification through an automated scoring system. Utilizing variant allele frequency, disease prevalence and penetrance estimates, and inheritance mode, an automated score was calculated to assess if this variant is too frequent to cause the disease. Based on the score and internal cut-off values, a variant classified as likely benign is not then subjected to further curation. The score for this variant resulted in a classification of likely benign for this disease.

NM_004621.6(TRPC6):c.213T>A (p.Val71=)

Gene: TRPC6 (transient receptor potential cation channel subfamily C member 6; minus strand). Cytogenetic location: 11q22.1.
Variant type: single nucleotide variant.
Coding change: c.213T>A on transcript NM_004621.6 (MANE Select); coding-DNA position 213, T replaced by A.
Protein change: p.Val71=; no amino-acid change (valine 71 retained).
Molecular consequence: synonymous variant.
Genome position (GRCh38, 1-based): chr11:101,504,756, A>T on the plus strand (T>A on the coding strand, the complement: TRPC6 is on the minus strand). VCF-style: chr11-101504756-A-T. GRCh37 (hg19) VCF-style: chr11-101375487-A-T.
Identifiers: ClinVar variation 301912 (VCV000301912.11), dbSNP rs138123801, ClinGen allele CA6244566.
Genomic context (GRCh38, chr11:101,504,756, plus strand): 5'-GCGATCACTAAACATGTATGCTGGTCCTCGATTAGCTAACCTTCTCCCCTTCTCACGGAG[A>T]ACTGTCTGCCGCCGGTGAGCCAGTCTGTTGTCAGATCCCCGGCTGCAATAAAACAGAAAG-3'
Protein context (NP_004612.2, residues 61-81): DNRLAHRRQT[Val71=]LREKGRRLAN